The following is an entry in ClinVar:

ClinVar aggregate classification (germline): Conflicting classifications of pathogenicity. Review status: criteria provided, conflicting classifications (1 of 4 stars). 4 submissions from 4 submitters: Pathogenic (1); Likely pathogenic (1); Uncertain significance (2). Last evaluated 2026-09-08.

Conditions:
Fabry disease. Also called: Ceramide trihexosidosis; Fabry's disease; HEREDITARY DYSTOPIC LIPIDOSIS; Angiokeratoma corporis diffusum; ALPHA-GALACTOSIDASE A DEFICIENCY; ANDERSON-FABRY DISEASE. Identifiers: Orphanet 324, MedGen C0002986, MONDO:0010526, OMIM 301500, HP:0001071. Disease mechanism: Fabry disease is due to inactivating mutations in the X-linked GLA gene resulting in deficiency of the enzyme Alpha Galactosidase-A., loss of function.

Submissions (4):

Genomenon, Inc
Classification: Uncertain significance for Fabry disease. Last evaluated: 2026-09-08. Review status: criteria provided, single submitter. Criteria: Genomenon Sequence Variant Interpretation Standards - Updated. Collection method: curation. Allele origin: germline. Affected: yes.
Comment: GLA p.Val199Met (c.595G>A) is a missense variant that changes the amino acid at codon 199 from Valine to Methionine. This variant has been observed in at least one proband with clinical features consistent with Fabry disease (PMID:32843101;39650153;12175777;30739116). Functional or patient cell studies have been reported (PMID:39650153;32843101;31956509;27657681;23677059). It is absent or not present at a significant frequency in gnomAD. In silico models predict that this variant is possibly or probably damaging. In conclusion, we classify GLA p.Val199Met (c.595G>A) as a variant of uncertain significance.

Myriad Genetics, Inc.
Classification: Likely pathogenic for Fabry disease. Last evaluated: 2025-12-29. Review status: criteria provided, single submitter. Criteria: Myriad Autosomal Dominant, Autosomal Recessive and X-Linked Classification Criteria (2023). Collection method: clinical testing. Allele origin: unknown.
Comment: NM_000169.2(GLA):c.595G>A(V199M) is a missense variant classified as likely pathogenic in the context of Fabry disease. V199M has been observed in cases with relevant disease (PMID: 39650153, 3677059, 30739116, 32843101). Relevant functional assessments of this variant are not available in the literature. V199M has not been observed in referenced population frequency databases. In summary, NM_000169.2(GLA):c.595G>A(V199M) is a missense variant that has been observed more frequently in cases with the relevant disease than in healthy populations. Please note: this variant was assessed in the context of healthy population screening.

Labcorp Genetics (formerly Invitae), Labcorp
Classification: Pathogenic for Fabry disease. Last evaluated: 2025-11-24. Review status: criteria provided, single submitter. Criteria: Invitae Variant Classification Sherloc (09022015). Collection method: clinical testing. Allele origin: germline.
Comment: This sequence change replaces valine, which is neutral and non-polar, with methionine, which is neutral and non-polar, at codon 199 of the GLA protein (p.Val199Met). This variant is not present in population databases (gnomAD no frequency). This missense change has been observed in individual(s) with Fabry disease (PMID: 12175777, 23677059, 30386727, 39650153). ClinVar contains an entry for this variant (Variation ID: 92556). Invitae Evidence Modeling of protein sequence and biophysical properties (such as structural, functional, and spatial information, amino acid conservation, physicochemical variation, residue mobility, and thermodynamic stability) indicates that this missense variant is not expected to disrupt GLA protein function with a negative predictive value of 80%. Experimental studies have shown that this missense change affects GLA function (PMID: 27657681). This variant disrupts the p.Val199 amino acid residue in GLA. Other variant(s) that disrupt this residue have been determined to be pathogenic (PMID: 27560961, 38002959; external communication). This suggests that this residue is clinically significant, and that variants that disrupt this residue are likely to be disease-causing. For these reasons, this variant has been classified as Pathogenic.

Eurofins Ntd Llc (ga)
Classification: Uncertain significance. Last evaluated: 2012-08-23. Review status: criteria provided, single submitter. Criteria: EGL Classification Definitions 2015. Collection method: clinical testing. Allele origin: germline.

Literature cited by the submitters: PubMed 32843101 (cited by Genomenon, Inc and Myriad Genetics, Inc.); PubMed 39650153 (cited by 3 submitters); PubMed 12175777 (cited by Genomenon, Inc and Labcorp Genetics (formerly Invitae), Labcorp); PubMed 30739116 (cited by Genomenon, Inc and Myriad Genetics, Inc.); PubMed 31956509 (cited by Genomenon, Inc); PubMed 27657681 (cited by Genomenon, Inc and Labcorp Genetics (formerly Invitae), Labcorp); PubMed 23677059 (cited by Genomenon, Inc and Labcorp Genetics (formerly Invitae), Labcorp); PubMed 3677059 (cited by Myriad Genetics, Inc.); PubMed 30386727 (cited by Labcorp Genetics (formerly Invitae), Labcorp); PubMed 27560961 (cited by Labcorp Genetics (formerly Invitae), Labcorp); PubMed 38002959 (cited by Labcorp Genetics (formerly Invitae), Labcorp).

NM_000169.3(GLA):c.595G>A (p.Val199Met)

Genes: GLA (galactosidase alpha; minus strand), RPL36A-HNRNPH2 (RPL36A-HNRNPH2 readthrough; plus strand). Cytogenetic location: Xq22.1.
Variant type: single nucleotide variant.
Coding change: c.595G>A on transcript NM_000169.3 (MANE Select); coding-DNA position 595, G replaced by A.
Protein change: p.Val199Met; replaces valine 199 with methionine.
Molecular consequence: missense variant. On other transcripts: non-coding transcript variant (2), intron variant (2).
Genome position (GRCh38, 1-based): chrX:101,400,710, C>T on the plus strand (G>A on the coding strand, the complement: GLA is on the minus strand). VCF-style: chrX-101400710-C-T. GRCh37 (hg19) VCF-style: chrX-100655698-C-T.
Other names: c.718G>A, p.Val240Met (NM_001406747.1); c.595G>A, p.Val199Met (NM_001406748.1); c.300+5253C>T (NM_001199973.2); c.177+8888C>T (NM_001199974.2); short protein forms V240M.
Identifiers: ClinVar variation 92556 (VCV000092556.8), dbSNP rs398123213, ClinGen allele CA021815.